The following is an entry in ClinVar:

ClinVar aggregate classification (germline): Uncertain significance (1 of 4 stars; one submission).

Submission:

Labcorp Genetics (formerly Invitae), Labcorp
Classification: Uncertain significance. Last evaluated: 2022-11-14. Review status: criteria provided, single submitter. Criteria: Invitae Variant Classification Sherloc (09022015). Collection method: clinical testing. Allele origin: germline.
Comment: This variant, c.2658_2660del, results in the deletion of 1 amino acid(s) of the MSH3 protein (p.Glu886del), but otherwise preserves the integrity of the reading frame. This variant is not present in population databases (gnomAD no frequency). This variant has not been reported in the literature in individuals affected with MSH3-related conditions. Experimental studies and prediction algorithms are not available or were not evaluated, and the functional significance of this variant is currently unknown. Algorithms developed to predict the effect of sequence changes on RNA splicing suggest that this variant may disrupt the consensus splice site. In summary, the available evidence is currently insufficient to determine the role of this variant in disease. Therefore, it has been classified as a Variant of Uncertain Significance.

NC_000005.10:g.80813583GGA[1]

Gene: MSH3 (mutS homolog 3; plus strand). Cytogenetic location: 5q14.1.
Variant type: Microsatellite.
Genome position: GRCh38 VCF-style: chr5-80813581-CAGG-C. GRCh37 (hg19) VCF-style: chr5-80109400-CAGG-C.
Identifiers: ClinVar variation 2776967 (VCV002776967.3), dbSNP rs2546797264, ClinGen allele CA2739274825.